The following is an entry in ClinVar:

NM_005862.3(STAG1):c.1354G>A (p.Ala452Thr)

Gene: STAG1 (STAG1 cohesin complex component; minus strand). Cytogenetic location: 3q22.3.
Variant type: single nucleotide variant.
Coding change: c.1354G>A on transcript NM_005862.3 (MANE Select); coding-DNA position 1354, G replaced by A.
Protein change: p.Ala452Thr; replaces alanine 452 with threonine.
Molecular consequence: missense variant.
Genome position (GRCh38, 1-based): chr3:136,452,107, C>T on the plus strand (G>A on the coding strand, the complement: STAG1 is on the minus strand). VCF-style: chr3-136452107-C-T. GRCh37 (hg19) VCF-style: chr3-136170949-C-T.
Other names: short protein forms A452T.
Identifiers: ClinVar variation 3682200 (VCV003682200.2).

ClinVar aggregate classification (germline): Uncertain significance (1 of 4 stars; one submission).

gnomAD v4.1: 1 of 1,613,394 alleles (0.000062%); highest among the groups gnomAD compares: Admixed American, 0.0017%; no homozygotes.

Submission:

Labcorp Genetics (formerly Invitae), Labcorp
Classification: Uncertain significance. Last evaluated: 2025-01-13. Review status: criteria provided, single submitter. Criteria: Invitae Variant Classification Sherloc (09022015). Collection method: clinical testing. Allele origin: germline.
Comment: This sequence change replaces alanine, which is neutral and non-polar, with threonine, which is neutral and polar, at codon 452 of the STAG1 protein (p.Ala452Thr). This variant is present in population databases (rs767464593, gnomAD 0.006%). This variant has not been reported in the literature in individuals affected with STAG1-related conditions. Invitae Evidence Modeling of protein sequence and biophysical properties (such as structural, functional, and spatial information, amino acid conservation, physicochemical variation, residue mobility, and thermodynamic stability) indicates that this missense variant is not expected to disrupt STAG1 protein function with a negative predictive value of 80%. In summary, the available evidence is currently insufficient to determine the role of this variant in disease. Therefore, it has been classified as a Variant of Uncertain Significance.